The following is an entry in ClinVar:

NM_024298.5(MBOAT7):c.680_690del (p.Leu227fs)

Gene: MBOAT7 (membrane bound acylglycerophosphatidylinositol O-acyltransferase MBOAT7; minus strand). Cytogenetic location: 19q13.42.
Variant type: Deletion.
Coding change: c.680_690del on transcript NM_024298.5 (MANE Select); coding-DNA positions 680 to 690, 11 bases deleted (TGCCCGCCCGC).
Protein change: p.Leu227fs; shifts the reading frame from leucine 227.
Molecular consequence: frameshift variant.
Genome position (GRCh38, 1-based): chr19:54,180,937-54,180,947, GCGGGCGGGCA deleted on the plus strand (TGCCCGCCCGC on the coding strand, the reverse complement: MBOAT7 is on the minus strand); deleting any 11 consecutive bases within chr19:54,180,937-54,180,957 gives the same sequence; the c. name uses the placement nearest the transcript's 3' end. VCF-style (leftmost placement, unchanged base first): chr19-54180936-GGCGGGCGGGCA-G. GRCh37 (hg19) VCF-style: chr19-54684653-GGCGGGCGGGCA-G.
Other names: c.461_471del, p.Leu154fs (NM_001146056.3, NM_001146083.3); c.680_690del, p.Leu227fs (NM_001146082.3); short protein forms L154fs, L227fs.
Identifiers: ClinVar variation 3381384 (VCV003381384.2).
Genomic context (GRCh38, chr19:54,180,936, plus strand): 5'-CAATCCAGGCCACGTAGAAGCGCATGCGGAAGGCGAAGAAGACGGGGATCATGTAGAAGA[GGCGGGCGGGCA>G]GCGGGCGGGCGTAGAAGGCGTCCTCGCGCACGGCCTCCAGCGGGAAGAGGTGAGAGGAGA-3'

ClinVar aggregate classification (germline): Pathogenic (1 of 4 stars; one submission).

Submission:

GeneDx
Classification: Pathogenic. Last evaluated: 2024-12-03. Review status: criteria provided, single submitter. Criteria: GeneDx Variant Classification Process June 2021. Collection method: clinical testing. Allele origin: germline.
Comment: Frameshift variant predicted to result in protein truncation or nonsense mediated decay in a gene for which loss of function is a known mechanism of disease; Not observed at significant frequency in large population cohorts (gnomAD); This variant is associated with the following publications: (PMID: Yalcintepe2023[article], 30701556)